The following is an entry in ClinVar:

ClinVar aggregate classification (germline): Likely benign. Review status: criteria provided, multiple submitters, no conflicts (2 of 4 stars). 2 submissions from 2 submitters: Likely benign (2). Last evaluated 2024-11-06.

Allele frequency attached by ClinVar (database versions not stated): ExAC 0.00010; gnomAD 0.00016; gnomAD exomes 0.00020.
gnomAD v4.1: 314 of 1,595,630 alleles (0.02%); highest among the groups gnomAD compares: Non-Finnish European, 0.025%; no homozygotes.

Submissions (4):

Blueprint Genetics
Classification: Likely benign. Last evaluated: 2024-11-06. Review status: criteria provided, single submitter. Criteria: ACMG Guidelines, 2015. Collection method: clinical testing. Allele origin: germline.

CeGaT Center for Human Genetics Tuebingen
Classification: Likely benign. Last evaluated: 2024-06-01. Review status: criteria provided, single submitter. Criteria: CeGaT Center For Human Genetics Tuebingen Variant Classification Criteria Version 2. Collection method: clinical testing. Allele origin: germline. Affected: yes. Observed: 1 variant allele.
Comment: HERC2: BP4, BP7

Dr. Peter K. Rogan Lab, Western University
No classification provided (evidence only). Condition: Thyroid cancer, nonmedullary, 1. Review status: no classification provided. Collection method: in vitro. Allele origin: not applicable. Functional consequence: retained intron. Not counted in ClinVar's aggregate classification.

Dr. Peter K. Rogan Lab, Western University
No classification provided (evidence only). Condition: Nonpapillary renal cell carcinoma. Review status: no classification provided. Collection method: in vitro. Allele origin: not applicable. Functional consequence: retained intron. Not counted in ClinVar's aggregate classification.

NM_004667.6(HERC2):c.5706A>G (p.Gly1902=)

Gene: HERC2 (HECT and RLD domain containing E3 ubiquitin protein ligase 2; minus strand). Cytogenetic location: 15q13.1.
Variant type: single nucleotide variant.
Coding change: c.5706A>G on transcript NM_004667.6 (MANE Select); coding-DNA position 5706, A replaced by G.
Protein change: p.Gly1902=; no amino-acid change (glycine 1902 retained).
Molecular consequence: synonymous variant.
Genome position (GRCh38, 1-based): chr15:28,220,591, T>C on the plus strand (A>G on the coding strand, the complement: HERC2 is on the minus strand). VCF-style: chr15-28220591-T-C. GRCh37 (hg19) VCF-style: chr15-28465737-T-C.
Other names: NC_000015.9:g.28465737T>C.
Identifiers: ClinVar variation 3250564 (VCV003250564.20), dbSNP rs145855928.